The following is an entry in ClinVar:

NM_017999.5(RNF31):c.3155G>A (p.Arg1052His)

Gene: RNF31 (ring finger protein 31; plus strand). Cytogenetic location: 14q12.
Variant type: single nucleotide variant.
Coding change: c.3155G>A on transcript NM_017999.5 (MANE Select); coding-DNA position 3155, G replaced by A.
Protein change: p.Arg1052His; replaces arginine 1052 with histidine.
Molecular consequence: missense variant.
Genome position (GRCh38, 1-based): chr14:24,160,397, G>A. VCF-style: chr14-24160397-G-A. GRCh37 (hg19) VCF-style: chr14-24629606-G-A.
Other names: c.2702G>A, p.Arg901His (NM_001310332.2); c.3155G>A (NM_017999.4); short protein forms R1052H, R901H.
Identifiers: ClinVar variation 1356363 (VCV001356363.9), dbSNP rs758763901, ClinGen allele CA7126280.

ClinVar aggregate classification (germline): Uncertain significance. Review status: criteria provided, multiple submitters, no conflicts (2 of 4 stars). 2 submissions from 2 submitters: Uncertain significance (2). Last evaluated 2025-11-04.

Allele frequency attached by ClinVar (database versions not stated): ExAC 0.00002; gnomAD exomes 0.00002 and 0.00003; TOPMed 0.00008.
gnomAD v4.1: 28 of 1,613,876 alleles (0.0017%); highest among the groups gnomAD compares: South Asian, 0.019%; no homozygotes.

Submissions (2):

Labcorp Genetics (formerly Invitae), Labcorp
Classification: Uncertain significance. Last evaluated: 2025-11-04. Review status: criteria provided, single submitter. Criteria: Invitae Variant Classification Sherloc (09022015). Collection method: clinical testing. Allele origin: germline.
Comment: This sequence change replaces arginine, which is basic and polar, with histidine, which is basic and polar, at codon 1052 of the RNF31 protein (p.Arg1052His). This variant is present in population databases (rs758763901, gnomAD 0.01%). This variant has not been reported in the literature in individuals affected with RNF31-related conditions. ClinVar contains an entry for this variant (Variation ID: 1356363). An algorithm developed to predict the effect of missense changes on protein structure and function (PolyPhen-2) suggests that this variant is likely to be disruptive. In summary, the available evidence is currently insufficient to determine the role of this variant in disease. Therefore, it has been classified as a Variant of Uncertain Significance.

Ambry Genetics
Classification: Uncertain significance. Last evaluated: 2024-07-26. Review status: criteria provided, single submitter. Criteria: Ambry Variant Classification Scheme 2023. Collection method: clinical testing. Allele origin: germline.